The following is an entry in ClinVar:

NM_032520.5(GNPTG):c.665C>G (p.Pro222Arg)

Gene: GNPTG (N-acetylglucosamine-1-phosphate transferase subunit gamma; plus strand). Cytogenetic location: 16p13.3.
Variant type: single nucleotide variant.
Coding change: c.665C>G on transcript NM_032520.5 (MANE Select); coding-DNA position 665, C replaced by G.
Protein change: p.Pro222Arg; replaces proline 222 with arginine.
Molecular consequence: missense variant.
Genome position (GRCh38, 1-based): chr16:1,362,666, C>G. VCF-style: chr16-1362666-C-G. GRCh37 (hg19) VCF-style: chr16-1412667-C-G.
Other names: short protein forms P222R.
Identifiers: ClinVar variation 848175 (VCV000848175.6), dbSNP rs142548931, ClinGen allele CA7807874.

ClinVar aggregate classification (germline): Uncertain significance. Review status: criteria provided, single submitter (1 of 4 stars). 2 submissions from 2 submitters: Uncertain significance (1). 1 of the submissions does not count toward it. Last evaluated 2022-08-31.

Conditions:
GNPTG-mucolipidosis. Also called: MUCOLIPIDOSIS III, COMPLEMENTATION GROUP C; MUCOLIPIDOSIS III, IRANIAN VARIANT FORM; MUCOLIPIDOSIS III, VARIANT FORM; ML III GAMMA; ML IIIC; Mucolipidosis type III gamma. Identifiers: Orphanet 423470, Orphanet 577, MedGen C1854896, MONDO:0009652, OMIM 252605.

Allele frequency attached by ClinVar (database versions not stated): gnomAD exomes below 0.00001; ExAC 0.00002; gnomAD 0.00004 and 0.00005; ESP Exome Variant Server 0.00008; TOPMed 0.00008; 1000 Genomes Project 30x 0.00016; 1000 Genomes Project 0.00020.
gnomAD v4.1: 12 of 1,614,072 alleles (0.00074%); highest among the groups gnomAD compares: African/African-American, 0.015%; no homozygotes.

Submissions (2):

Labcorp Genetics (formerly Invitae), Labcorp
Classification: Uncertain significance. Last evaluated: 2022-08-31. Review status: criteria provided, single submitter. Criteria: Invitae Variant Classification Sherloc (09022015). Collection method: clinical testing. Allele origin: germline.
Comment: This sequence change replaces proline, which is neutral and non-polar, with arginine, which is basic and polar, at codon 222 of the GNPTG protein (p.Pro222Arg). This variant is not present in population databases (gnomAD no frequency). This variant has not been reported in the literature in individuals affected with GNPTG-related conditions. ClinVar contains an entry for this variant (Variation ID: 848175). Algorithms developed to predict the effect of missense changes on protein structure and function (SIFT, PolyPhen-2, Align-GVGD) all suggest that this variant is likely to be tolerated. In summary, the available evidence is currently insufficient to determine the role of this variant in disease. Therefore, it has been classified as a Variant of Uncertain Significance.

Natera, Inc.
Classification: Uncertain significance for Mucolipidosis III gamma. Last evaluated: 2020-01-24. Review status: no assertion criteria provided. Collection method: clinical testing. Allele origin: germline. Not counted in ClinVar's aggregate classification.